The following is an entry in ClinVar:

NM_000979.4(RPL18):c.215T>G (p.Leu72Arg)

Gene: RPL18 (ribosomal protein L18; minus strand). Cytogenetic location: 19q13.33.
Variant type: single nucleotide variant.
Coding change: c.215T>G on transcript NM_000979.4 (MANE Select); coding-DNA position 215, T replaced by G.
Protein change: p.Leu72Arg; replaces leucine 72 with arginine.
Molecular consequence: missense variant. On other transcripts: non-coding transcript variant (1).
Genome position (GRCh38, 1-based): chr19:48,616,808, A>C on the plus strand (T>G on the coding strand, the complement: RPL18 is on the minus strand). VCF-style: chr19-48616808-A-C. GRCh37 (hg19) VCF-style: chr19-49120065-A-C.
Other names: c.128T>G, p.Leu43Arg (NM_001270490.2); short protein forms L72R, L43R.
Identifiers: ClinVar variation 3718013 (VCV003718013.2).

ClinVar aggregate classification (germline): Uncertain significance (1 of 4 stars; one submission).

Submission:

Labcorp Genetics (formerly Invitae), Labcorp
Classification: Uncertain significance. Last evaluated: 2024-09-18. Review status: criteria provided, single submitter. Criteria: Invitae Variant Classification Sherloc (09022015). Collection method: clinical testing. Allele origin: germline.
Comment: This sequence change replaces leucine, which is neutral and non-polar, with arginine, which is basic and polar, at codon 72 of the RPL18 protein (p.Leu72Arg). This variant is not present in population databases (gnomAD no frequency). This variant has not been reported in the literature in individuals affected with RPL18-related conditions. An algorithm developed to predict the effect of missense changes on protein structure and function (PolyPhen-2) suggests that this variant is likely to be tolerated. In summary, the available evidence is currently insufficient to determine the role of this variant in disease. Therefore, it has been classified as a Variant of Uncertain Significance.